The following is an entry in ClinVar:

NM_002242.4(KCNJ13):c.587C>T (p.Pro196Leu)

Genes: GIGYF2 (GRB10 interacting GYF protein 2; plus strand), KCNJ13 (potassium inwardly rectifying channel subfamily J member 13; minus strand). Cytogenetic location: 2q37.1.
Variant type: single nucleotide variant.
Coding change: c.587C>T on transcript NM_002242.4 (MANE Select); coding-DNA position 587, C replaced by T.
Protein change: p.Pro196Leu; replaces proline 196 with leucine.
Molecular consequence: missense variant. On other transcripts: 3 prime UTR variant (1), intron variant (4).
Genome position (GRCh38, 1-based): chr2:232,768,687, G>A on the plus strand (C>T on the coding strand, the complement: KCNJ13 is on the minus strand). VCF-style: chr2-232768687-G-A. GRCh37 (hg19) VCF-style: chr2-233633397-G-A.
Other names: c.*66C>T (NM_001172416.1); c.347C>T, p.Pro116Leu (NM_001172417.1); c.532+7251G>A (NM_001103146.3, NM_015575.4, NM_001103147.2 and 1 more transcripts); short protein forms P116L, P196L.
Identifiers: ClinVar variation 2005326 (VCV002005326.4), dbSNP rs2469803423, ClinGen allele CA351010124.

ClinVar aggregate classification (germline): Uncertain significance (1 of 4 stars; one submission).

Allele frequency attached by ClinVar (database versions not stated): gnomAD exomes below 0.00001.
gnomAD v4.1: 1 of 1,608,110 alleles (0.000062%); highest among the groups gnomAD compares: Non-Finnish European, 0.000085%; no homozygotes.

Submission:

Labcorp Genetics (formerly Invitae), Labcorp
Classification: Uncertain significance. Last evaluated: 2022-06-13. Review status: criteria provided, single submitter. Criteria: Invitae Variant Classification Sherloc (09022015). Collection method: clinical testing. Allele origin: germline.
Comment: This variant is not present in population databases (gnomAD no frequency). This sequence change replaces proline, which is neutral and non-polar, with leucine, which is neutral and non-polar, at codon 196 of the KCNJ13 protein (p.Pro196Leu). This variant has not been reported in the literature in individuals affected with KCNJ13-related conditions. In summary, the available evidence is currently insufficient to determine the role of this variant in disease. Therefore, it has been classified as a Variant of Uncertain Significance. Algorithms developed to predict the effect of missense changes on protein structure and function (SIFT, PolyPhen-2, Align-GVGD) all suggest that this variant is likely to be tolerated.